The following is an entry in ClinVar:

GRCh38/hg38 12q21.31(chr12:80530108-80719071)x1

Genes: MYF5 (myogenic factor 5; plus strand), MYF6 (myogenic factor 6; plus strand), PTPRQ (protein tyrosine phosphatase receptor type Q; plus strand), LOC121838556 (Sharpr-MPRA regulatory region 776; plus strand), LOC124629419 (Sharpr-MPRA regulatory region 7448; plus strand) and 2 more. Cytogenetic location: 12q21.31.
Variant type: copy number loss.
Change: copy number 1 (one copy instead of two) of chr12:80,530,108-80,719,071 (189.0 kb, GRCh38 coordinates, 1-based), cytogenetic band 12q21.31.
Identifiers: ClinVar variation 57588 (VCV000057588.2).

ClinVar aggregate classification (germline): Pathogenic (1 of 4 stars; one submission).

Submission:

ISCA Site 6
Classification: Pathogenic. Last evaluated: 2011-08-12. Review status: criteria provided, single submitter. Criteria: Kaminsky et al. (Genet Med. 2011). Collection method: clinical testing. Allele origin: maternal. Affected: yes. Observed: 1 variant allele.
Comment: Copy number variation identified through the course of routine clinical cytogenomic testing in postnatal populations. Clinical assertions have been curated as described in Kaminsky et al. 2011.